The following is an entry in ClinVar:

NM_000093.5(COL5A1):c.1573C>T (p.Arg525Trp)

Gene: COL5A1 (collagen type V alpha 1 chain; plus strand). Cytogenetic location: 9q34.3.
Variant type: single nucleotide variant.
Coding change: c.1573C>T on transcript NM_000093.5 (MANE Select); coding-DNA position 1573, C replaced by T.
Protein change: p.Arg525Trp; replaces arginine 525 with tryptophan.
Molecular consequence: missense variant.
Genome position (GRCh38, 1-based): chr9:134,750,793, C>T. VCF-style: chr9-134750793-C-T. GRCh37 (hg19) VCF-style: chr9-137642639-C-T.
Other names: c.1573C>T, p.Arg525Trp (NM_001278074.1); c.1573C>T (NM_000093.3); short protein forms R525W.
Identifiers: ClinVar variation 2177181 (VCV002177181.6), dbSNP rs756888773, ClinGen allele CA5318873.

ClinVar aggregate classification (germline): Conflicting classifications of pathogenicity. Review status: criteria provided, conflicting classifications (1 of 4 stars). 3 submissions from 3 submitters: Uncertain significance (2); Likely benign (1). Last evaluated 2026-08-10.

Conditions:
Familial thoracic aortic aneurysm and aortic dissection (TAAD). Also called: Thoracic aortic aneurysms and dissections. Identifiers: Orphanet 91387, MedGen C4707243, MONDO:0019625.
Ehlers-Danlos syndrome, classic type, 1 (EDSCL1). Also called: EDS I; EHLERS-DANLOS SYNDROME, GRAVIS TYPE; EHLERS-DANLOS SYNDROME, SEVERE CLASSIC TYPE; Ehlers-Danlos Syndrome, Classic Type, COL5A1-Related; Ehlers-Danlos syndrome, type 1. Identifiers: MedGen C0268335, MONDO:0019567, OMIM 130000.

Allele frequency attached by ClinVar (database versions not stated): ExAC 0.00002; gnomAD exomes 0.00001; TOPMed 0.00001.
gnomAD v4.1: 21 of 1,613,300 alleles (0.0013%); highest among the groups gnomAD compares: Non-Finnish European, 0.0016%; no homozygotes.

Submissions (3):

Ambry Genetics
Classification: Uncertain significance for Familial thoracic aortic aneurysm and aortic dissection. Last evaluated: 2026-08-10. Review status: criteria provided, single submitter. Criteria: Ambry Variant Classification Scheme 2023. Collection method: clinical testing. Allele origin: germline.
Comment: The p.R525W variant (also known as c.1573C>T), located in coding exon 13 of the COL5A1 gene, results from a C to T substitution at nucleotide position 1573. The arginine at codon 525 is replaced by tryptophan, an amino acid with dissimilar properties. This amino acid position is conserved. In addition, this alteration is predicted to be deleterious by in silico analysis. Based on the available evidence, the clinical significance of this variant remains unclear.

Labcorp Genetics (formerly Invitae), Labcorp
Classification: Likely benign for Ehlers-Danlos syndrome, classic type, 1. Last evaluated: 2026-01-17. Review status: criteria provided, single submitter. Criteria: Invitae Variant Classification Sherloc (09022015). Collection method: clinical testing. Allele origin: germline.

ARUP Laboratories, Molecular Genetics and Genomics, ARUP Laboratories
Classification: Uncertain significance. Last evaluated: 2024-07-17. Review status: criteria provided, single submitter. Criteria: ARUP Molecular Germline Variant Investigation Process 2024. Collection method: clinical testing. Allele origin: germline.
Comment: The COL5A1 c.1573C>T; p.Arg525Trp variant (rs756888773), to our knowledge, it not reported in the medical literature but is reported in ClinVar (Variation ID: 2177181). This variant is observed in the non-Finnish European population with an allele frequency of 0.002% (2/112998 alleles) in the Genome Aggregation Database (v2.1.1). Computational analyses are uncertain whether this variant is neutral or deleterious (REVEL: 0.687). Due to limited information, the clinical significance of this variant is uncertain at this time.